The following is an entry in ClinVar:

NM_031935.3(HMCN1):c.13813G>A (p.Gly4605Ser)

Gene: HMCN1 (hemicentin 1; plus strand). Cytogenetic location: 1q31.1.
Variant type: single nucleotide variant.
Coding change: c.13813G>A on transcript NM_031935.3 (MANE Select); coding-DNA position 13813, G replaced by A.
Protein change: p.Gly4605Ser; replaces glycine 4605 with serine.
Molecular consequence: missense variant.
Genome position (GRCh38, 1-based): chr1:186,137,861, G>A. VCF-style: chr1-186137861-G-A. GRCh37 (hg19) VCF-style: chr1-186106993-G-A.
Other names: c.13813G>A (NM_031935.2); short protein forms G4605S.
Identifiers: ClinVar variation 1921012 (VCV001921012.6), dbSNP rs751615978, ClinGen allele CA1294766.

ClinVar aggregate classification (germline): Uncertain significance. Review status: criteria provided, multiple submitters, no conflicts (2 of 4 stars). 2 submissions from 2 submitters: Uncertain significance (2). Last evaluated 2024-02-26.

Allele frequency attached by ClinVar (database versions not stated): ExAC 0.00001; gnomAD 0.00001; gnomAD exomes 0.00003.
gnomAD v4.1: 39 of 1,613,904 alleles (0.0024%); highest among the groups gnomAD compares: South Asian, 0.018%; no homozygotes.

Submissions (2):

Ambry Genetics
Classification: Uncertain significance. Last evaluated: 2024-02-26. Review status: criteria provided, single submitter. Criteria: Ambry Variant Classification Scheme 2023. Collection method: clinical testing. Allele origin: germline.

Labcorp Genetics (formerly Invitae), Labcorp
Classification: Uncertain significance. Last evaluated: 2022-06-19. Review status: criteria provided, single submitter. Criteria: Invitae Variant Classification Sherloc (09022015). Collection method: clinical testing. Allele origin: germline.
Comment: Algorithms developed to predict the effect of missense changes on protein structure and function (SIFT, PolyPhen-2, Align-GVGD) all suggest that this variant is likely to be disruptive. In summary, the available evidence is currently insufficient to determine the role of this variant in disease. Therefore, it has been classified as a Variant of Uncertain Significance. This variant has not been reported in the literature in individuals affected with HMCN1-related conditions. This variant is present in population databases (rs751615978, gnomAD 0.01%). This sequence change replaces glycine, which is neutral and non-polar, with serine, which is neutral and polar, at codon 4605 of the HMCN1 protein (p.Gly4605Ser).